The following is an entry in ClinVar:

NM_181552.4(CUX1):c.3368C>G (p.Ser1123Cys)

Gene: CUX1 (cut like homeobox 1; plus strand). Cytogenetic location: 7q22.1.
Variant type: single nucleotide variant.
Coding change: c.3368C>G on transcript NM_181552.4 (MANE Select); coding-DNA position 3368, C replaced by G.
Protein change: p.Ser1123Cys; replaces serine 1123 with cysteine.
Molecular consequence: missense variant. On other transcripts: intron variant (5).
Genome position (GRCh38, 1-based): chr7:102,227,604, C>G. VCF-style: chr7-102227604-C-G. GRCh37 (hg19) VCF-style: chr7-101870884-C-G.
Other names: c.3401C>G, p.Ser1134Cys (NM_001202543.2); c.1255+32001C>G (NM_001913.5); c.1249+32001C>G (NM_181500.4); c.1117+32001C>G (NM_001202545.3); c.1207+32001C>G (NM_001202544.3); c.1138+32001C>G (NM_001202546.3); short protein forms S1123C, S1134C.
Identifiers: ClinVar variation 1676073 (VCV001676073.34), dbSNP rs140448919, ClinGen allele CA4411315.

ClinVar aggregate classification (germline): Likely benign. Review status: criteria provided, multiple submitters, no conflicts (2 of 4 stars). 2 submissions from 2 submitters: Likely benign (2). Last evaluated 2025-11-01.

Allele frequency attached by ClinVar (database versions not stated): TOPMed 0.00077; gnomAD 0.00082 and 0.00084.
gnomAD v4.1: 2,396 of 1,613,952 alleles (0.15%); highest among the groups gnomAD compares: Non-Finnish European, 0.2%; 9 homozygotes.

Submissions (2):

CeGaT Center for Human Genetics Tuebingen
Classification: Likely benign. Last evaluated: 2025-11-01. Review status: criteria provided, single submitter. Criteria: CeGaT Center For Human Genetics Tuebingen Variant Classification Criteria Version 2. Collection method: clinical testing. Allele origin: germline. Affected: yes. Observed: 8 variant alleles.
Comment: CUX1: BS1

Breakthrough Genomics
Classification: Likely benign. Review status: criteria provided, single submitter. Criteria: ACMG Guidelines, 2015. Collection method: not provided. Allele origin: germline. Inheritance: Autosomal dominant inheritance. Affected: yes.